The following is an entry in ClinVar:

NM_007294.4(BRCA1):c.5248A>T (p.Lys1750Ter)

Gene: BRCA1 (BRCA1 DNA repair associated; minus strand). Cytogenetic location: 17q21.31.
Variant type: single nucleotide variant.
Coding change: c.5248A>T on transcript NM_007294.4 (MANE Select); coding-DNA position 5248, A replaced by T.
Protein change: p.Lys1750Ter; replaces lysine 1750 with a stop codon.
Molecular consequence: nonsense. On other transcripts: non-coding transcript variant (1).
Genome position (GRCh38, 1-based): chr17:43,057,081, T>A on the plus strand (A>T on the coding strand, the complement: BRCA1 is on the minus strand). VCF-style: chr17-43057081-T-A. GRCh37 (hg19) VCF-style: chr17-41209098-T-A.
Other names: c.5035A>T, p.Lys1679Ter (NM_001407571.1, NM_001407900.1, NM_001407902.1 and 12 more transcripts); c.5314A>T, p.Lys1772Ter (NM_001407581.1, NM_001407582.1); c.5311A>T, p.Lys1771Ter (NM_001407583.1, NM_001407585.1, NM_001407587.1 and 1 more transcripts); c.5245A>T, p.Lys1749Ter (NM_001407610.1, NM_001407611.1, NM_001407612.1 and 17 more transcripts); c.5242A>T, p.Lys1748Ter (NM_001407629.1, NM_001407630.1, NM_001407631.1 and 14 more transcripts); c.5188A>T, p.Lys1730Ter (NM_001407649.1); c.5170A>T, p.Lys1724Ter (NM_001407652.1, NM_001407653.1, NM_001407654.1 and 1 more transcripts); c.5167A>T, p.Lys1723Ter (NM_001407656.1, NM_001407657.1, NM_001407658.1); and 72 more; short protein forms K1703*, K1750*, K646*, K1771*, K1621*, K1623*, K1661*, K1679*.
Identifiers: ClinVar variation 865201 (VCV000865201.10), dbSNP rs2051507325, ClinGen allele CA10591051.
Genomic context (GRCh38, chr17:43,057,081, plus strand): 5'-ATTTTTGTCAACTTGAGGGAGGGAGCTTTACCTTTCTGTCCTGGGATTCTCTTGCTCGCT[T>A]TGGACCTTGGTGGTTTCTTCCATTGACCACATCTCCTCTGACTTCAAAATCATGCTGAAA-3'

ClinVar aggregate classification (germline): Pathogenic (1 of 4 stars; one submission).

Conditions:
Hereditary breast ovarian cancer syndrome. Also called: Hereditary breast and/or ovarian cancer syndrome; BRCA1- and BRCA2-Associated Hereditary Breast and Ovarian Cancer; Hereditary breast and ovarian cancer syndrome; Hereditary breast and ovarian cancer; Hereditary breast and ovarian cancer syndrome (HBOC); Breast and ovarian cancer. Identifiers: Orphanet 145, MedGen C0677776, MeSH D061325, MONDO:0003582. Disease mechanism: loss of function.

Submissions (2):

Labcorp Genetics (formerly Invitae), Labcorp
Classification: Pathogenic for Hereditary breast ovarian cancer syndrome. Last evaluated: 2019-09-23. Review status: criteria provided, single submitter. Criteria: Invitae Variant Classification Sherloc (09022015). Collection method: clinical testing. Allele origin: germline.
Comment: Loss-of-function variants in BRCA1 are known to be pathogenic (PMID: 20104584). This sequence change creates a premature translational stop signal (p.Lys1750*) in the BRCA1 gene. It is expected to result in an absent or disrupted protein product. This variant is not present in population databases (ExAC no frequency). This variant has not been reported in the literature in individuals with BRCA1-related conditions. For these reasons, this variant has been classified as Pathogenic.

Brotman Baty Institute, University of Washington
No classification provided (evidence only). Condition: Breast-ovarian cancer, familial 1. Review status: no classification provided. Collection method: in vitro. Allele origin: not applicable. Functional consequence: functionally_abnormal. Not counted in ClinVar's aggregate classification.
ClinVar note: "not provided" was previously submitted as the classification for the variant. However, the classification appeared to be based only on an observation of functional data so it was converted to no classification on 2025-07-30.

Literature cited by the submitters: PubMed 20104584 (cited by Labcorp Genetics (formerly Invitae), Labcorp).